The following is an entry in ClinVar:

NM_001077365.2(POMT1):c.1126G>A (p.Gly376Arg)

Gene: POMT1 (protein O-mannosyltransferase 1; plus strand). Cytogenetic location: 9q34.13.
Variant type: single nucleotide variant.
Coding change: c.1126G>A on transcript NM_001077365.2 (MANE Select); coding-DNA position 1126, G replaced by A.
Protein change: p.Gly376Arg; replaces glycine 376 with arginine.
Molecular consequence: missense variant. On other transcripts: non-coding transcript variant (10), intron variant (1).
Genome position (GRCh38, 1-based): chr9:131,513,282, G>A. VCF-style: chr9-131513282-G-A. GRCh37 (hg19) VCF-style: chr9-134388669-G-A.
Other names: c.964G>A, p.Gly322Arg (NM_001077366.2, NM_001353194.2); c.1126G>A, p.Gly376Arg (NM_001136113.2, NM_001374690.1); c.775G>A, p.Gly259Arg (NM_001136114.2, NM_001353195.2, NM_001374691.1 and 1 more transcripts); c.1192G>A, p.Gly398Arg (NM_001353193.2, NM_007171.4); c.1036G>A, p.Gly346Arg (NM_001353196.2); c.1030G>A, p.Gly344Arg (NM_001353197.2, NM_001353198.2); c.841G>A, p.Gly281Arg (NM_001353199.2); c.670G>A, p.Gly224Arg (NM_001353200.2); and 3 more; short protein forms G398R, G259R, G322R, G344R, G376R, G224R, G346R, G281R.
Identifiers: ClinVar variation 285055 (VCV000285055.21), dbSNP rs146869947, ClinGen allele CA5293544.

ClinVar aggregate classification (germline): Conflicting classifications of pathogenicity. Review status: criteria provided, conflicting classifications (1 of 4 stars). 6 submissions from 6 submitters: Uncertain significance (1); Benign (2); Likely benign (2). 1 of the submissions does not count toward it. Last evaluated 2026-01-27.

Conditions:
POMT1-related disorder. Also called: POMT1-related condition; POMT1-related disorders.
Autosomal recessive limb-girdle muscular dystrophy type 2K. Also called: MUSCULAR DYSTROPHY-DYSTROGLYCANOPATHY (LIMB-GIRDLE), TYPE C, 1; MUSCULAR DYSTROPHY, LIMB-GIRDLE, TYPE 2K. Identifiers: Orphanet 86812, MedGen C1836373, MONDO:0012248, OMIM 609308.
Walker-Warburg congenital muscular dystrophy. Also called: Muscular dystrophy-dystroglycanopathy, type A; Walker-Warburg syndrome. Identifiers: Orphanet 899, MedGen C0265221, MONDO:0000171.
Muscular dystrophy-dystroglycanopathy (congenital with impaired intellectual development), type B, 1. Also called: Muscular dystrophy-dystroglycanopathy (congenital with intellectual disability), type B1; MUSCULAR DYSTROPHY, CONGENITAL, POMT1-RELATED. Identifiers: MedGen C5436962, MONDO:0013159, OMIM 613155.

Allele frequency attached by ClinVar (database versions not stated): gnomAD exomes 0.00264 and 0.00107; 1000 Genomes Project 30x 0.00062; ExAC 0.00225; ESP Exome Variant Server 0.00031; 1000 Genomes Project 0.00080; TOPMed 0.00043.
gnomAD v4.1: 1,850 of 1,612,996 alleles (0.11%); highest among the groups gnomAD compares: East Asian, 0.11%; 30 homozygotes.

Submissions (6):

Labcorp Genetics (formerly Invitae), Labcorp
Classification: Benign for Muscular dystrophy-dystroglycanopathy (congenital with impaired intellectual development), type B, 1; Walker-Warburg congenital muscular dystrophy; Autosomal recessive limb-girdle muscular dystrophy type 2K. Last evaluated: 2026-01-27. Review status: criteria provided, single submitter. Criteria: Invitae Variant Classification Sherloc (09022015). Collection method: clinical testing. Allele origin: germline.

Blueprint Genetics
Classification: Likely benign. Last evaluated: 2024-11-23. Review status: criteria provided, single submitter. Criteria: ACMG Guidelines, 2015. Collection method: clinical testing. Allele origin: germline.

Illumina Laboratory Services, Illumina
Classification: Uncertain significance for Autosomal recessive limb-girdle muscular dystrophy type 2K. Last evaluated: 2018-01-13. Review status: criteria provided, single submitter. Criteria: ICSL Variant Classification Criteria 13 December 2019. Collection method: clinical testing. Allele origin: germline.

GeneDx
Classification: Likely benign. Last evaluated: 2017-01-16. Review status: criteria provided, single submitter. Criteria: GeneDx Variant Classification (06012015). Collection method: clinical testing. Allele origin: germline. Affected: yes.
Comment: This variant is considered likely benign or benign based on one or more of the following criteria: it is a conservative change, it occurs at a poorly conserved position in the protein, it is predicted to be benign by multiple in silico algorithms, and/or has population frequency not consistent with disease.

Eurofins Ntd Llc (ga)
Classification: Benign. Last evaluated: 2015-12-16. Review status: criteria provided, single submitter. Criteria: EGL Classification Definitions 2015. Collection method: clinical testing. Allele origin: germline. Observed: 1 variant allele, 1 heterozygote.

PreventionGenetics, part of Exact Sciences
Classification: Benign for POMT1-related condition. Last evaluated: 2020-01-15. Review status: no assertion criteria provided. Collection method: clinical testing. Allele origin: germline. Not counted in ClinVar's aggregate classification.
Comment: This variant is classified as benign based on ACMG/AMP sequence variant interpretation guidelines (Richards et al. 2015 PMID: 25741868, with internal and published modifications).